The following is an entry in ClinVar:

ClinVar aggregate classification (germline): Uncertain significance (1 of 4 stars; one submission).

Submission:

Labcorp Genetics (formerly Invitae), Labcorp
Classification: Uncertain significance. Last evaluated: 2023-02-09. Review status: criteria provided, single submitter. Criteria: Invitae Variant Classification Sherloc (09022015). Collection method: clinical testing. Allele origin: germline.
Comment: In summary, the available evidence is currently insufficient to determine the role of this variant in disease. Therefore, it has been classified as a Variant of Uncertain Significance. Advanced modeling of protein sequence and biophysical properties (such as structural, functional, and spatial information, amino acid conservation, physicochemical variation, residue mobility, and thermodynamic stability) performed at Invitae indicates that this missense variant is not expected to disrupt POGLUT1 protein function. This variant has not been reported in the literature in individuals affected with POGLUT1-related conditions. This variant is not present in population databases (gnomAD no frequency). This sequence change replaces asparagine, which is neutral and polar, with histidine, which is basic and polar, at codon 45 of the POGLUT1 protein (p.Asn45His).

NM_152305.3(POGLUT1):c.133A>C (p.Asn45His)

Gene: POGLUT1 (protein O-glucosyltransferase 1; plus strand). Cytogenetic location: 3q13.33.
Variant type: single nucleotide variant.
Coding change: c.133A>C on transcript NM_152305.3 (MANE Select); coding-DNA position 133, A replaced by C.
Protein change: p.Asn45His; replaces asparagine 45 with histidine.
Molecular consequence: missense variant. On other transcripts: non-coding transcript variant (1).
Genome position (GRCh38, 1-based): chr3:119,469,867, A>C. VCF-style: chr3-119469867-A-C. GRCh37 (hg19) VCF-style: chr3-119188714-A-C.
Other names: c.133A>C, p.Asn45His (NM_020231.3); short protein forms N45H.
Identifiers: ClinVar variation 3014303 (VCV003014303.3), dbSNP rs2473016694, ClinGen allele CA354035204.
Genomic context (GRCh38, chr3:119,469,867, plus strand): 5'-TCACTTTTTAAAGGTTCAAAATGGAAAGTATTTATTGACCAAATTAACAGGTCTTTGGAG[A>C]ATTACGAACCATGTTCAAGTCAAAACTGCAGCTGCTACCATGGGTGAGTTCTTTTCTTTG-3'
Protein context (NP_689518.1, residues 35-55): FIDQINRSLE[Asn45His]YEPCSSQNCS